The following is an entry in ClinVar:

NM_001367561.1(DOCK7):c.1442G>A (p.Ser481Asn)

Gene: DOCK7 (dedicator of cytokinesis 7; minus strand). Cytogenetic location: 1p31.3.
Variant type: single nucleotide variant.
Coding change: c.1442G>A on transcript NM_001367561.1 (MANE Select); coding-DNA position 1442, G replaced by A.
Protein change: p.Ser481Asn; replaces serine 481 with asparagine.
Molecular consequence: missense variant.
Genome position (GRCh38, 1-based): chr1:62,619,977, C>T on the plus strand (G>A on the coding strand, the complement: DOCK7 is on the minus strand). VCF-style: chr1-62619977-C-T. GRCh37 (hg19) VCF-style: chr1-63085648-C-T.
Other names: c.1442G>A, p.Ser481Asn (NM_001271999.2, NM_001272000.2, NM_001272001.2 and 3 more transcripts); short protein forms S481N.
Identifiers: ClinVar variation 863920 (VCV000863920.10), dbSNP rs547585543, ClinGen allele CA886937.

ClinVar aggregate classification (germline): Uncertain significance (1 of 4 stars; one submission).

Conditions:
Developmental and epileptic encephalopathy, 23 (DEE23). Also called: Epileptic encephalopathy, early infantile, 23. Identifiers: Orphanet 411986, MedGen C4014492, MONDO:0014371, OMIM 615859.

Allele frequency attached by ClinVar (database versions not stated): gnomAD 0.00001; gnomAD exomes 0.00001 and 0.00004; TOPMed 0.00001; ExAC 0.00002; 1000 Genomes Project 30x 0.00016; 1000 Genomes Project 0.00020.
gnomAD v4.1: 10 of 1,613,324 alleles (0.00062%); highest among the groups gnomAD compares: East Asian, 0.02%; no homozygotes.

Submission:

Labcorp Genetics (formerly Invitae), Labcorp
Classification: Uncertain significance for Developmental and epileptic encephalopathy, 23. Last evaluated: 2024-06-03. Review status: criteria provided, single submitter. Criteria: Invitae Variant Classification Sherloc (09022015). Collection method: clinical testing. Allele origin: germline.
Comment: This sequence change replaces serine, which is neutral and polar, with asparagine, which is neutral and polar, at codon 481 of the DOCK7 protein (p.Ser481Asn). This variant is present in population databases (rs547585543, gnomAD 0.05%). This variant has not been reported in the literature in individuals affected with DOCK7-related conditions. ClinVar contains an entry for this variant (Variation ID: 863920). Advanced modeling of protein sequence and biophysical properties (such as structural, functional, and spatial information, amino acid conservation, physicochemical variation, residue mobility, and thermodynamic stability) has been performed at Invitae for this missense variant, however the output from this modeling did not meet the statistical confidence thresholds required to predict the impact of this variant on DOCK7 protein function. In summary, the available evidence is currently insufficient to determine the role of this variant in disease. Therefore, it has been classified as a Variant of Uncertain Significance.